The following is an entry in ClinVar:

NM_002454.3(MTRR):c.299A>G (p.Glu100Gly)

Gene: MTRR (5-methyltetrahydrofolate-homocysteine methyltransferase reductase; plus strand). Cytogenetic location: 5p15.31.
Variant type: single nucleotide variant.
Coding change: c.299A>G on transcript NM_002454.3 (MANE Select); coding-DNA position 299, A replaced by G.
Protein change: p.Glu100Gly; replaces glutamic acid 100 with glycine.
Molecular consequence: missense variant. On other transcripts: non-coding transcript variant (14).
Genome position (GRCh38, 1-based): chr5:7,875,273, A>G. VCF-style: chr5-7875273-A-G. GRCh37 (hg19) VCF-style: chr5-7875386-A-G.
Other names: c.299A>G, p.Glu100Gly (NM_001364440.2, NM_001364441.2, NM_001364442.2 and 1 more transcripts); short protein forms E100G.
Identifiers: ClinVar variation 1949511 (VCV001949511.4), dbSNP rs2478740800, ClinGen allele CA359156421.

ClinVar aggregate classification (germline): Uncertain significance (1 of 4 stars; one submission).

Conditions:
Methylcobalamin deficiency type cblE (HMAE). Also called: HOMOCYSTINURIA-MEGALOBLASTIC ANEMIA, cblE COMPLEMENTATION TYPE; HOMOCYSTINURIA-MEGALOBLASTIC ANEMIA, cblE TYPE; VITAMIN B12-RESPONSIVE HOMOCYSTINURIA, cblE TYPE. Identifiers: Orphanet 2169, Orphanet 622, MedGen C1856057, MONDO:0009354, OMIM 236270.

Allele frequency attached by ClinVar (database versions not stated): gnomAD exomes below 0.00001.
gnomAD v4.1: 1 of 1,612,550 alleles (0.000062%); highest among the groups gnomAD compares: Non-Finnish European, 0.000085%; no homozygotes.

Submission:

Labcorp Genetics (formerly Invitae), Labcorp
Classification: Uncertain significance for Methylcobalamin deficiency type cblE. Last evaluated: 2024-04-10. Review status: criteria provided, single submitter. Criteria: Invitae Variant Classification Sherloc (09022015). Collection method: clinical testing. Allele origin: germline.
Comment: This sequence change replaces glutamic acid, which is acidic and polar, with glycine, which is neutral and non-polar, at codon 100 of the MTRR protein (p.Glu100Gly). This variant is not present in population databases (gnomAD no frequency). This variant has not been reported in the literature in individuals affected with MTRR-related conditions. ClinVar contains an entry for this variant (Variation ID: 1949511). Advanced modeling of protein sequence and biophysical properties (such as structural, functional, and spatial information, amino acid conservation, physicochemical variation, residue mobility, and thermodynamic stability) performed at Invitae indicates that this missense variant is not expected to disrupt MTRR protein function with a negative predictive value of 80%. In summary, the available evidence is currently insufficient to determine the role of this variant in disease. Therefore, it has been classified as a Variant of Uncertain Significance.